The following is an entry in ClinVar:

ClinVar aggregate classification (germline): Uncertain significance. Review status: criteria provided, multiple submitters, no conflicts (2 of 4 stars). 3 submissions from 3 submitters: Uncertain significance (3). Last evaluated 2025-12-09.

Conditions:
Inborn genetic diseases. Identifiers: MedGen C0950123, MeSH D030342.

Submissions (3):

Ambry Genetics
Classification: Uncertain significance for Inborn genetic diseases. Last evaluated: 2025-12-09. Review status: criteria provided, single submitter. Criteria: Ambry Variant Classification Scheme 2023. Collection method: clinical testing. Allele origin: germline.
Comment: The c.4360_4362delTTC (p.F1454del) alteration is located in exon 24 (coding exon 23) of the SCN8A gene. This alteration consists of an in-frame deletion of 3 nucleotides between nucleotide positions c.4360 and c.4362, resulting in the deletion of 1 residue. This variant was not reported in population-based cohorts in the Genome Aggregation Database (gnomAD). Based on insufficient or conflicting evidence, the clinical significance of this alteration remains unclear.

CeGaT Center for Human Genetics Tuebingen
Classification: Uncertain significance. Last evaluated: 2023-10-01. Review status: criteria provided, single submitter. Criteria: CeGaT Center For Human Genetics Tuebingen Variant Classification Criteria Version 2. Collection method: clinical testing. Allele origin: germline. Affected: yes. Observed: 1 variant allele.
Comment: SCN8A: PM2, PM4:Supporting

GeneDx
Classification: Uncertain significance. Last evaluated: 2022-01-26. Review status: criteria provided, single submitter. Criteria: GeneDx Variant Classification Process June 2021. Collection method: clinical testing. Allele origin: germline. Affected: yes.
Comment: Has not been previously published as pathogenic or benign to our knowledge; Not observed at significant frequency in large population cohorts (gnomAD); In-frame deletion of 1 amino acid in a non-repeat region; The lost residue is predicted to be within the transmembrane segment S6 of the third homologous domain; In silico analysis supports a deleterious effect on protein structure/function; In-silico analysis is inconclusive as to whether the variant alters gene splicing. In the absence of RNA/functional studies, the actual effect of this sequence change is unknown

Literature cited by the submitters: PubMed 34431999 (cited by Ambry Genetics).

NM_001330260.2(SCN8A):c.4357TTC[1] (p.Phe1454del)

Gene: SCN8A (sodium voltage-gated channel alpha subunit 8; plus strand). Cytogenetic location: 12q13.13.
Variant type: Microsatellite.
Coding change: c.4357TTC[1] on transcript NM_001330260.2 (MANE Select); one copy of the 3-base unit TTC starting at c.4357; the reference has two copies in a row; one copy, 3 bases deleted.
Protein change: p.Phe1454del; deletes phenylalanine 1454.
Molecular consequence: inframe deletion.
Genome position (GRCh38, 1-based): chr12:51,789,359-51,789,361, TTC deleted; deleting any 3 consecutive bases within chr12:51,789,355-51,789,361 gives the same sequence; the position shown is the placement nearest the transcript's 3' end. VCF-style (leftmost placement, unchanged base first): chr12-51789354-CCTT-C. GRCh37 (hg19) VCF-style: chr12-52183138-CCTT-C.
Other names: c.4360_4362delTTC (NM_014191.2); c.4234TTC[1], p.Phe1413del (NM_001177984.3, NM_001369788.1); c.4357TTC[1], p.Phe1454del (NM_014191.4); short protein forms F1413del, F1454del.
Identifiers: ClinVar variation 1699739 (VCV001699739.26), dbSNP rs2138909604, ClinGen allele CA2580615201.